The following is an entry in ClinVar:

ClinVar aggregate classification (germline): Uncertain significance (1 of 4 stars; one submission).

Conditions:
Duchenne muscular dystrophy (DMD). Also called: MUSCULAR DYSTROPHY, PSEUDOHYPERTROPHIC PROGRESSIVE, DUCHENNE TYPE; Duchenne Muscular Dystrophy (DMD). Identifiers: Orphanet 98896, MedGen C0013264, MONDO:0010679, OMIM 310200.

Submissions (2):

Labcorp Genetics (formerly Invitae), Labcorp
Classification: Uncertain significance for Duchenne muscular dystrophy. Last evaluated: 2025-02-02. Review status: criteria provided, single submitter. Criteria: Invitae Variant Classification Sherloc (09022015). Collection method: clinical testing. Allele origin: germline.
Comment: This sequence change replaces aspartic acid, which is acidic and polar, with glycine, which is neutral and non-polar, at codon 1591 of the DMD protein (p.Asp1591Gly). This variant is not present in population databases (gnomAD no frequency). This variant has not been reported in the literature in individuals affected with DMD-related conditions. Invitae Evidence Modeling of protein sequence and biophysical properties (such as structural, functional, and spatial information, amino acid conservation, physicochemical variation, residue mobility, and thermodynamic stability) indicates that this missense variant is not expected to disrupt DMD protein function with a negative predictive value of 95%. Algorithms developed to predict the effect of sequence changes on RNA splicing suggest that this variant may disrupt the consensus splice site. In summary, the available evidence is currently insufficient to determine the role of this variant in disease. Therefore, it has been classified as a Variant of Uncertain Significance.

Dr. Peter K. Rogan Lab, Western University
No classification provided (evidence only). Condition: Nonpapillary renal cell carcinoma. Review status: no classification provided. Collection method: in vitro. Allele origin: not applicable. Functional consequence: retained intron. Not counted in ClinVar's aggregate classification.

NM_004006.3(DMD):c.4772A>G (p.Asp1591Gly)

Gene: DMD (dystrophin; minus strand). Cytogenetic location: Xp21.1.
Variant type: single nucleotide variant.
Coding change: c.4772A>G on transcript NM_004006.3 (MANE Select); coding-DNA position 4772, A replaced by G.
Protein change: p.Asp1591Gly; replaces aspartic acid 1591 with glycine.
Molecular consequence: missense variant.
Genome position (GRCh38, 1-based): chrX:32,380,583, T>C on the plus strand (A>G on the coding strand, the complement: DMD is on the minus strand). VCF-style: chrX-32380583-T-C. GRCh37 (hg19) VCF-style: chrX-32398700-T-C.
Other names: c.4748A>G, p.Asp1583Gly (NM_000109.4); c.4760A>G, p.Asp1587Gly (NM_004009.3); c.4403A>G, p.Asp1468Gly (NM_004010.3); c.749A>G, p.Asp250Gly (NM_004011.4); c.740A>G, p.Asp247Gly (NM_004012.4); short protein forms D1587G, D1468G, D247G, D1583G, D1591G, D250G.
Identifiers: ClinVar variation 3634826 (VCV003634826.3).